The following is an entry in ClinVar:

ClinVar aggregate classification (germline): Pathogenic (1 of 4 stars; one submission).

Conditions:
Hereditary cancer-predisposing syndrome. Also called: Neoplastic Syndromes, Hereditary; Tumor predisposition; Hereditary Cancer Syndrome; Hereditary neoplastic syndrome. Identifiers: Orphanet 140162, MedGen C0027672, MeSH D009386, MONDO:0015356.

Submission:

Ambry Genetics
Classification: Pathogenic for Hereditary cancer-predisposing syndrome. Last evaluated: 2014-12-16. Review status: criteria provided, single submitter. Criteria: Ambry Variant Classification Scheme 2023. Collection method: clinical testing. Allele origin: germline.
Comment: The c.3267_3268insC pathogenic mutation, located in coding exon 5 of the MSH6 gene, results from an insertion of one nucleotide at position 3267, causing a translational frameshift with a predicted alternate stop codon. Since frameshifts are typically deleterious in nature, this alteration is interpreted as a disease-causing mutation (ACMG Recommendations for Standards for Interpretation and Reporting of Sequence Variations. Revision 2007. Genet Med. 2008;10:294).

NM_000179.3(MSH6):c.3267_3268insC (p.Glu1090fs)

Gene: MSH6 (mutS homolog 6; plus strand). Cytogenetic location: 2p16.3.
Variant type: Insertion.
Coding change: c.3267_3268insC on transcript NM_000179.3 (MANE Select); coding-DNA positions 3267 to 3268, C inserted.
Protein change: p.Glu1090fs; shifts the reading frame from glutamic acid 1090.
Molecular consequence: frameshift variant.
Genome position: GRCh38 VCF-style: chr2-47803514-A-AC. GRCh37 (hg19) VCF-style: chr2-48030653-A-AC.
Other names: c.2877_2878insC, p.Glu960fs (NM_001281492.2); c.2361_2362insC, p.Glu788fs (NM_001281493.2, NM_001281494.2); short protein forms E1090fs, E960fs, E788fs.
Identifiers: ClinVar variation 187409 (VCV000187409.5), dbSNP rs786203712, ClinGen allele CA012383.